The following is an entry in ClinVar:

ClinVar aggregate classification (germline): Likely benign. Review status: criteria provided, multiple submitters, no conflicts (2 of 4 stars). 2 submissions from 2 submitters: Likely benign (2). Last evaluated 2026-06-12.

Conditions:
Polyps, multiple and recurrent inflammatory fibroid, gastrointestinal. Identifiers: MedGen C5193005, MONDO:0008285, OMIM 175510.
Gastrointestinal stromal tumor. Also called: Gastrointestinal stromal tumor, somatic; Gastrointestinal stroma tumor. Identifiers: Orphanet 44890, MedGen C0238198, MeSH D046152, MONDO:0011719, OMIM 606764, HP:0100723.

Submissions (2):

Myriad Genetics, Inc.
Classification: Likely benign for Polyps, multiple and recurrent inflammatory fibroid, gastrointestinal. Last evaluated: 2026-06-12. Review status: criteria provided, single submitter. Criteria: Myriad Autosomal Dominant, Autosomal Recessive and X-Linked Classification Criteria (2023). Collection method: clinical testing. Allele origin: unknown.
Comment: This variant is considered likely benign. This variant is intronic and is not expected to impact mRNA splicing.

Labcorp Genetics (formerly Invitae), Labcorp
Classification: Likely benign for Gastrointestinal stromal tumor. Last evaluated: 2021-03-14. Review status: criteria provided, single submitter. Criteria: Invitae Variant Classification Sherloc (09022015). Collection method: clinical testing. Allele origin: germline.

NM_006206.6(PDGFRA):c.1121+7A>G

Gene: PDGFRA (platelet derived growth factor receptor alpha; plus strand). Cytogenetic location: 4q12.
Variant type: single nucleotide variant.
Coding change: c.1121+7A>G on transcript NM_006206.6 (MANE Select); 7 bases into the intron after coding-DNA position 1121, A replaced by G.
Molecular consequence: intron variant.
Genome position (GRCh38, 1-based): chr4:54,267,748, A>G. VCF-style: chr4-54267748-A-G. GRCh37 (hg19) VCF-style: chr4-55133915-A-G.
Other names: c.1196+7A>G (NM_001347828.2); c.1121+7A>G (NM_001347827.2, NM_001347829.2); c.1160+7A>G (NM_001347830.2).
Identifiers: ClinVar variation 1639480 (VCV001639480.9), dbSNP rs2110267727, ClinGen allele CA2573137801.
Genomic context (GRCh38, chr4:54,267,748, plus strand): 5'-GATTGAAAATCTCACTGAGATCACCACTGATGTGGAAAAGATTCAGGAAATAAGGTAAAG[A>G]AACTCTCTGCCCAAGTATGCCTTTTTTTAGTGTGCATCAGAGGCGGACTGAGGTTTGTGT-3'